The following is an entry in ClinVar:

ClinVar aggregate classification (germline): Likely benign (1 of 4 stars; one submission).

Allele frequency attached by ClinVar (database versions not stated): gnomAD exomes below 0.00001.
gnomAD v4.1: 2 of 1,613,660 alleles (0.00012%); highest among the groups gnomAD compares: Non-Finnish European, 0.00017%; no homozygotes.

Submission:

Laboratory for Molecular Medicine, Mass General Brigham Personalized Medicine
Classification: Likely benign. Last evaluated: 2015-01-05. Review status: criteria provided, single submitter. Criteria: LMM Criteria. Collection method: clinical testing. Allele origin: germline. Observed: 1 variant allele.
Comment: p.Lys279Lys in exon 6 of PRKAG2: This variant is not expected to have clinical s ignificance because it does not alter an amino acid residue and is not located w ithin the splice consensus sequence.

NM_016203.4(PRKAG2):c.837G>A (p.Lys279=)

Gene: PRKAG2 (protein kinase AMP-activated non-catalytic subunit gamma 2; minus strand). Cytogenetic location: 7q36.1.
Variant type: single nucleotide variant.
Coding change: c.837G>A on transcript NM_016203.4 (MANE Select); coding-DNA position 837, G replaced by A.
Protein change: p.Lys279=; no amino-acid change (lysine 279 retained).
Molecular consequence: synonymous variant.
Genome position (GRCh38, 1-based): chr7:151,595,372, C>T on the plus strand (G>A on the coding strand, the complement: PRKAG2 is on the minus strand). VCF-style: chr7-151595372-C-T. GRCh37 (hg19) VCF-style: chr7-151292458-C-T.
Other names: c.705G>A, p.Lys235= (NM_001040633.2); c.462G>A, p.Lys154= (NM_001304527.2); c.114G>A, p.Lys38= (NM_001304531.2, NM_024429.2); c.465G>A, p.Lys155= (NM_001363698.2).
Identifiers: ClinVar variation 227879 (VCV000227879.5), dbSNP rs876657566, ClinGen allele CA10576722.
Genomic context (GRCh38, chr7:151,595,372, plus strand): 5'-ACCAAAAAATTCATGAAAATGGAGTACACTTACTTGTAATGTAGTATCAAAGACAACAAG[C>T]TTTGAACTGGTTGGAACGATGTCATAACACTTGTGTGACCTCATGAATCGCATGTAAACA-3'
Protein context (NP_057287.2, residues 269-289): KCYDIVPTSS[Lys279=]LVVFDTTLQV